The following is an entry in ClinVar:

NM_000719.7(CACNA1C):c.1126G>A (p.Val376Ile)

Gene: CACNA1C (calcium voltage-gated channel subunit alpha1 C; plus strand). Cytogenetic location: 12p13.33.
Variant type: single nucleotide variant.
Coding change: c.1126G>A on transcript NM_000719.7 (MANE Select); coding-DNA position 1126, G replaced by A.
Protein change: p.Val376Ile; replaces valine 376 with isoleucine.
Molecular consequence: missense variant. On other transcripts: intron variant (4).
Genome position (GRCh38, 1-based): chr12:2,504,854, G>A. VCF-style: chr12-2504854-G-A. GRCh37 (hg19) VCF-style: chr12-2614020-G-A.
Other names: c.1126G>A, p.Val376Ile (NM_001129827.2, NM_001129829.2, NM_001129830.3 and 14 more transcripts); c.1117G>A, p.Val373Ile (NM_001129844.2); c.1217+315G>A (NM_001167624.3, NM_001167623.2, NM_001167625.2 and 1 more transcripts); short protein forms V376I, V373I.
Identifiers: ClinVar variation 574774 (VCV000574774.18), dbSNP rs1131653, ClinGen allele CA6388653.

ClinVar aggregate classification (germline): Conflicting classifications of pathogenicity. Review status: criteria provided, conflicting classifications (1 of 4 stars). 3 submissions from 3 submitters: Uncertain significance (1); Benign (1); Likely benign (1). Last evaluated 2024-10-13.

Conditions:
Cardiovascular phenotype. Identifiers: MedGen CN230736.
Long QT syndrome (LQTS). Identifiers: MedGen C0023976, MeSH D008133, MONDO:0002442. Disease mechanism: loss of function. Inheritance: Various modes of inheritance.

Allele frequency attached by ClinVar (database versions not stated): gnomAD 0.00002 and 0.00003; ExAC 0.00004; gnomAD exomes 0.00004; TOPMed 0.00005; 1000 Genomes Project 30x 0.00016; 1000 Genomes Project 0.00020.
gnomAD v4.1: 84 of 1,582,866 alleles (0.0053%); highest among the groups gnomAD compares: Non-Finnish European, 0.0062%; no homozygotes.

Submissions (3):

Labcorp Genetics (formerly Invitae), Labcorp
Classification: Uncertain significance for Long QT syndrome. Last evaluated: 2024-10-13. Review status: criteria provided, single submitter. Criteria: Invitae Variant Classification Sherloc (09022015). Collection method: clinical testing. Allele origin: germline.
Comment: This sequence change replaces valine, which is neutral and non-polar, with isoleucine, which is neutral and non-polar, at codon 376 of the CACNA1C protein (p.Val376Ile). This variant is present in population databases (rs1131653, gnomAD 0.01%). This variant has not been reported in the literature in individuals affected with CACNA1C-related conditions. ClinVar contains an entry for this variant (Variation ID: 574774). Invitae Evidence Modeling of protein sequence and biophysical properties (such as structural, functional, and spatial information, amino acid conservation, physicochemical variation, residue mobility, and thermodynamic stability) indicates that this missense variant is not expected to disrupt CACNA1C protein function with a negative predictive value of 95%. In summary, the available evidence is currently insufficient to determine the role of this variant in disease. Therefore, it has been classified as a Variant of Uncertain Significance.

Ambry Genetics
Classification: Likely benign for Cardiovascular phenotype. Last evaluated: 2022-06-24. Review status: criteria provided, single submitter. Criteria: Ambry Variant Classification Scheme 2023. Collection method: clinical testing. Allele origin: germline.

Molecular Diagnostic Laboratory for Inherited Cardiovascular Disease, Montreal Heart Institute
Classification: Benign. Last evaluated: 2019-10-22. Review status: criteria provided, single submitter. Criteria: ACMG Guidelines, 2015. Collection method: clinical testing. Allele origin: germline. Affected: yes.